The following is an entry in ClinVar:

ClinVar aggregate classification (germline): Pathogenic (1 of 4 stars; one submission).

Submission:

GeneDx
Classification: Pathogenic. Last evaluated: 2022-03-17. Review status: criteria provided, single submitter. Criteria: GeneDx Variant Classification Process June 2021. Collection method: clinical testing. Allele origin: germline. Affected: yes.
Comment: Frameshift variant predicted to result in protein truncation, as the last 928 amino acids are replaced with 45 different amino acids, and other loss-of-function variants have been reported downstream in the Human Gene Mutation Database (HGMD); Not observed at significant frequency in large population cohorts (gnomAD); This variant is associated with the following publications: (PMID: 30245513, 27133397)

NM_006766.5(KAT6A):c.3230del (p.Asn1077fs)

Gene: KAT6A (lysine acetyltransferase 6A; minus strand). Cytogenetic location: 8p11.21.
Variant type: Deletion.
Coding change: c.3230del on transcript NM_006766.5 (MANE Select); coding-DNA position 3230, one base deleted (A; older notation c.3230delA).
Protein change: p.Asn1077fs; shifts the reading frame from asparagine 1077.
Molecular consequence: frameshift variant.
Genome position (GRCh38, 1-based): chr8:41,937,378, T deleted on the plus strand (A on the coding strand, the reverse complement: KAT6A is on the minus strand); the first of 4 consecutive T bases (chr8:41,937,378-41,937,381); deleting any one gives the same sequence. VCF-style (leftmost placement, unchanged base first): chr8-41937377-AT-A. GRCh37 (hg19) VCF-style: chr8-41794895-AT-A.
Other names: short protein forms N1077fs.
Identifiers: ClinVar variation 1345022 (VCV001345022.2), dbSNP rs2150858815, ClinGen allele CA2573143161.